The following is an entry in ClinVar:

NM_001148.6(ANK2):c.2930G>A (p.Arg977Gln)

Gene: ANK2 (ankyrin 2; plus strand). Cytogenetic location: 4q26.
Variant type: single nucleotide variant.
Coding change: c.2930G>A on transcript NM_001148.6 (MANE Select); coding-DNA position 2930, G replaced by A.
Protein change: p.Arg977Gln; replaces arginine 977 with glutamine.
Molecular consequence: missense variant.
Genome position (GRCh38, 1-based): chr4:113,330,275, G>A. VCF-style: chr4-113330275-G-A. GRCh37 (hg19) VCF-style: chr4-114251431-G-A.
Other names: c.2903G>A, p.Arg968Gln (NM_001127493.3); c.2942G>A, p.Arg981Gln (NM_001354225.2); c.2930G>A, p.Arg977Gln (NM_001354228.2, NM_001354258.2, NM_020977.5); c.3008G>A, p.Arg1003Gln (NM_001354230.2, NM_001354237.2); c.2972G>A, p.Arg991Gln (NM_001354231.2, NM_001354242.2); c.2966G>A, p.Arg989Gln (NM_001354232.2); c.2927G>A, p.Arg976Gln (NM_001354235.2, NM_001354236.2, NM_001354246.2 and 1 more transcripts); c.2900G>A, p.Arg967Gln (NM_001354239.2, NM_001354252.2, NM_001354272.2); and 23 more; short protein forms R977Q, R968Q, R186Q, R923Q, R935Q, R943Q, R944Q, R955Q.
Identifiers: ClinVar variation 574084 (VCV000574084.8), dbSNP rs747390978, ClinGen allele CA3050746.

ClinVar aggregate classification (germline): Conflicting classifications of pathogenicity. Review status: criteria provided, conflicting classifications (1 of 4 stars). 2 submissions from 2 submitters: Uncertain significance (1); Likely benign (1). Last evaluated 2025-02-27.

Conditions:
Cardiovascular phenotype. Identifiers: MedGen CN230736.
Long QT syndrome (LQTS). Identifiers: MedGen C0023976, MeSH D008133, MONDO:0002442. Disease mechanism: loss of function. Inheritance: Various modes of inheritance.

Allele frequency attached by ClinVar (database versions not stated): gnomAD exomes below 0.00001 and 0.00003; TOPMed below 0.00001; ExAC 0.00001; gnomAD 0.00001.
gnomAD v4.1: 39 of 1,613,986 alleles (0.0024%); highest among the groups gnomAD compares: East Asian, 0.0045%; no homozygotes.

Submissions (2):

Labcorp Genetics (formerly Invitae), Labcorp
Classification: Likely benign for Long QT syndrome. Last evaluated: 2025-02-27. Review status: criteria provided, single submitter. Criteria: Invitae Variant Classification Sherloc (09022015). Collection method: clinical testing. Allele origin: germline.

Ambry Genetics
Classification: Uncertain significance for Cardiovascular phenotype. Last evaluated: 2019-03-25. Review status: criteria provided, single submitter. Criteria: Ambry Variant Classification Scheme 2023. Collection method: clinical testing. Allele origin: germline.
Comment: The p.R977Q variant (also known as c.2930G>A), located in coding exon 27 of the ANK2 gene, results from a G to A substitution at nucleotide position 2930. The arginine at codon 977 is replaced by glutamine, an amino acid with highly similar properties. This amino acid position is highly conserved in available vertebrate species. In addition, this alteration is predicted to be deleterious by in silico analysis. Since supporting evidence is limited at this time, the clinical significance of this alteration remains unclear.